The following is an entry in ClinVar:

NM_004663.5(RAB11A):c.336T>A (p.His112Gln)

Gene: RAB11A (RAB11A, member RAS oncogene family; plus strand). Cytogenetic location: 15q22.31.
Variant type: single nucleotide variant.
Coding change: c.336T>A on transcript NM_004663.5 (MANE Select); coding-DNA position 336, T replaced by A.
Protein change: p.His112Gln; replaces histidine 112 with glutamine.
Molecular consequence: missense variant.
Genome position (GRCh38, 1-based): chr15:65,877,861, T>A. VCF-style: chr15-65877861-T-A. GRCh37 (hg19) VCF-style: chr15-66170199-T-A.
Other names: c.336T>A, p.His112Gln (NM_001206836.2); short protein forms H112Q.
Identifiers: ClinVar variation 4856271 (VCV004856271.1).

ClinVar aggregate classification (germline): Uncertain significance (1 of 4 stars; one submission).

Conditions:
RAB11A-related disorder. Also called: RAB11A-related condition.

Submission:

3billion
Classification: Uncertain significance for RAB11A-related disorder. Last evaluated: 2025-09-05. Review status: criteria provided, single submitter. Criteria: ACMG Guidelines, 2015. Collection method: clinical testing. Allele origin: germline. Affected: yes.
Comment: The variant is not observed in the gnomAD v4.1.0 dataset. Predicted Consequence/Location: Missense variant. Missense changes are a common disease-causing mechanism. Damaging effect on gene or gene product predicted by in silico programs is uncertain [REVEL: 0.54 (damaging >=0.6, benign <0.4), 3Cnet: 0.18 (damaging >0.75, benign <0.1)]. A different missense change at the same codon (p.His112Arg) has been reported to be associated with RAB11A-related disorder (ClinVar ID: VCV002430281 /PMID: 39181022). However the evidence of pathogenicity is insufficient at this time. Therefore, this variant is classified as VUS according to the recommendation of ACMG/AMP guideline.

Literature cited by the submitters: PubMed 39181022.